The following is an entry in ClinVar:

NM_001430.5(EPAS1):c.2236G>A (p.Gly746Arg)

Gene: EPAS1 (endothelial PAS domain protein 1; plus strand). Cytogenetic location: 2p21.
Variant type: single nucleotide variant.
Coding change: c.2236G>A on transcript NM_001430.5 (MANE Select); coding-DNA position 2236, G replaced by A.
Protein change: p.Gly746Arg; replaces glycine 746 with arginine.
Molecular consequence: missense variant.
Genome position (GRCh38, 1-based): chr2:46,382,038, G>A. VCF-style: chr2-46382038-G-A. GRCh37 (hg19) VCF-style: chr2-46609177-G-A.
Other names: short protein forms G746R.
Identifiers: ClinVar variation 2610558 (VCV002610558.3), dbSNP rs1684908326, ClinGen allele CA346705829.

ClinVar aggregate classification (germline): Uncertain significance (1 of 4 stars; one submission).

Conditions:
Inborn genetic diseases. Identifiers: MedGen C0950123, MeSH D030342.

Submission:

Ambry Genetics
Classification: Uncertain significance for Inborn genetic diseases. Last evaluated: 2024-04-25. Review status: criteria provided, single submitter. Criteria: Ambry Variant Classification Scheme 2023. Collection method: clinical testing. Allele origin: germline.
Comment: The p.G746R variant (also known as c.2236G>A), located in coding exon 14 of the EPAS1 gene, results from a G to A substitution at nucleotide position 2236. The glycine at codon 746 is replaced by arginine, an amino acid with dissimilar properties. This amino acid position is conserved. In addition, this alteration is predicted to be tolerated by in silico analysis. Based on the available evidence, the clinical significance of this variant remains unclear.